The following is an entry in ClinVar:

ClinVar aggregate classification (germline): Uncertain significance (1 of 4 stars; one submission).

Conditions:
Tuberous sclerosis 2 (TSC2). Identifiers: Orphanet 805, MedGen C1860707, MONDO:0013199, OMIM 613254.

Submission:

Labcorp Genetics (formerly Invitae), Labcorp
Classification: Uncertain significance for Tuberous sclerosis 2. Last evaluated: 2021-03-10. Review status: criteria provided, single submitter. Criteria: Invitae Variant Classification Sherloc (09022015). Collection method: clinical testing. Allele origin: germline.
Comment: This sequence change replaces aspartic acid with histidine at codon 1013 of the TSC2 protein (p.Asp1013His). The aspartic acid residue is moderately conserved and there is a moderate physicochemical difference between aspartic acid and histidine. This variant is not present in population databases (ExAC no frequency). This variant has not been reported in the literature in individuals with TSC2-related conditions. Advanced modeling of protein sequence and biophysical properties (such as structural, functional, and spatial information, amino acid conservation, physicochemical variation, residue mobility, and thermodynamic stability) performed at Invitae indicates that this missense variant is not expected to disrupt TSC2 protein function. In summary, the available evidence is currently insufficient to determine the role of this variant in disease. Therefore, it has been classified as a Variant of Uncertain Significance.

NM_000548.5(TSC2):c.3037G>C (p.Asp1013His)

Gene: TSC2 (TSC complex subunit 2; plus strand). Cytogenetic location: 16p13.3.
Variant type: single nucleotide variant.
Coding change: c.3037G>C on transcript NM_000548.5 (MANE Select); coding-DNA position 3037, G replaced by C.
Protein change: p.Asp1013His; replaces aspartic acid 1013 with histidine.
Molecular consequence: missense variant.
Genome position (GRCh38, 1-based): chr16:2,079,102, G>C. VCF-style: chr16-2079102-G-C. GRCh37 (hg19) VCF-style: chr16-2129103-G-C.
Other names: c.2905G>C, p.Asp969His (NM_001077183.3, NM_001370404.1); c.3037G>C, p.Asp1013His (NM_001114382.3); c.2797G>C, p.Asp933His (NM_001318827.2); c.2761G>C, p.Asp921His (NM_001318829.2); c.2305G>C, p.Asp769His (NM_001318831.2); c.2938G>C, p.Asp980His (NM_001318832.2); c.2908G>C, p.Asp970His (NM_001363528.2, NM_001370405.1, NM_021055.3); short protein forms D921H, D970H, D969H, D769H, D933H, D980H, D1013H.
Identifiers: ClinVar variation 1377887 (VCV001377887.8), dbSNP rs45517279, ClinGen allele CA394284122.